The following is an entry in ClinVar:

NM_001346754.2(PIGW):c.296G>A (p.Arg99Gln)

Genes: MYO19 (myosin XIX; minus strand), PIGW (phosphatidylinositol glycan anchor biosynthesis class W; plus strand). Cytogenetic location: 17q12.
Variant type: single nucleotide variant.
Coding change: c.296G>A on transcript NM_001346754.2 (MANE Select); coding-DNA position 296, G replaced by A.
Protein change: p.Arg99Gln; replaces arginine 99 with glutamine.
Molecular consequence: missense variant.
Genome position (GRCh38, 1-based): chr17:36,537,397, G>A. VCF-style: chr17-36537397-G-A. GRCh37 (hg19) VCF-style: chr17-34893246-G-A.
Other names: c.296G>A, p.Arg99Gln (NM_001346755.2, NM_178517.5); short protein forms R99Q.
Identifiers: ClinVar variation 1951514 (VCV001951514.3), dbSNP rs769619152, ClinGen allele CA290115844.
Genomic context (GRCh38, chr17:36,537,397, plus strand): 5'-TCCTCCTTGAGCTTCTCGGTGTAATTATCTTTGGGGCAGGGCTGTTGTATCAAATATACC[G>A]AAGGAGGACCTGCTATGCCAGACTGCCTTTCCTAAAAATCCTTGAAAAATTCTTGAACAT-3'
Protein context (NP_001333683.1, residues 89-109): FGAGLLYQIY[Arg99Gln]RRTCYARLPF

ClinVar aggregate classification (germline): Uncertain significance (1 of 4 stars; one submission).

Conditions:
Hyperphosphatasia with intellectual disability syndrome 5 (GPIBD11). Also called: GLYCOSYLPHOSPHATIDYLINOSITOL BIOSYNTHESIS DEFECT 11. Identifiers: Orphanet 247262, MedGen C4014958, MONDO:0014457, OMIM 616025.

Allele frequency attached by ClinVar (database versions not stated): TOPMed 0.00001.
gnomAD v4.1: 16 of 1,613,964 alleles (0.00099%); highest among the groups gnomAD compares: East Asian, 0.013%; no homozygotes.

Submission:

Labcorp Genetics (formerly Invitae), Labcorp
Classification: Uncertain significance for Hyperphosphatasia with intellectual disability syndrome 5. Last evaluated: 2022-04-08. Review status: criteria provided, single submitter. Criteria: Invitae Variant Classification Sherloc (09022015). Collection method: clinical testing. Allele origin: germline.
Comment: This variant has not been reported in the literature in individuals affected with PIGW-related conditions. This variant is present in population databases (rs769619152, gnomAD 0.01%). This sequence change replaces arginine, which is basic and polar, with glutamine, which is neutral and polar, at codon 99 of the PIGW protein (p.Arg99Gln). Algorithms developed to predict the effect of missense changes on protein structure and function output the following: SIFT: "Tolerated"; PolyPhen-2: "Benign"; Align-GVGD: "Class C0". The glutamine amino acid residue is found in multiple mammalian species, which suggests that this missense change does not adversely affect protein function. In summary, the available evidence is currently insufficient to determine the role of this variant in disease. Therefore, it has been classified as a Variant of Uncertain Significance.